The following is an entry in ClinVar:

NM_020320.5(RARS2):c.1616T>A (p.Leu539Gln)

Gene: RARS2 (arginyl-tRNA synthetase 2, mitochondrial; minus strand). Cytogenetic location: 6q15.
Variant type: single nucleotide variant.
Coding change: c.1616T>A on transcript NM_020320.5 (MANE Select); coding-DNA position 1616, T replaced by A.
Protein change: p.Leu539Gln; replaces leucine 539 with glutamine.
Molecular consequence: missense variant. On other transcripts: non-coding transcript variant (23).
Genome position (GRCh38, 1-based): chr6:87,514,991, A>T on the plus strand (T>A on the coding strand, the complement: RARS2 is on the minus strand). VCF-style: chr6-87514991-A-T. GRCh37 (hg19) VCF-style: chr6-88224709-A-T.
Other names: c.1091T>A, p.Leu364Gln (NM_001318785.2, NM_001350506.2, NM_001350507.2 and 4 more transcripts); c.1616T>A, p.Leu539Gln (NM_001350505.2); short protein forms L539Q, L364Q.
Identifiers: ClinVar variation 1392465 (VCV001392465.6), dbSNP rs1057522050, ClinGen allele CA364918479.

ClinVar aggregate classification (germline): Uncertain significance (1 of 4 stars; one submission).

Allele frequency attached by ClinVar (database versions not stated): gnomAD 0.00001; TOPMed 0.00002.
gnomAD v4.1: 5 of 1,613,432 alleles (0.00031%); highest among the groups gnomAD compares: Admixed American, 0.0083%; no homozygotes.

Submission:

Labcorp Genetics (formerly Invitae), Labcorp
Classification: Uncertain significance. Last evaluated: 2023-11-01. Review status: criteria provided, single submitter. Criteria: Invitae Variant Classification Sherloc (09022015). Collection method: clinical testing. Allele origin: germline.
Comment: This sequence change replaces leucine, which is neutral and non-polar, with glutamine, which is neutral and polar, at codon 539 of the RARS2 protein (p.Leu539Gln). This variant is present in population databases (no rsID available, gnomAD 0.003%). This variant has not been reported in the literature in individuals affected with RARS2-related conditions. ClinVar contains an entry for this variant (Variation ID: 1392465). Advanced modeling of protein sequence and biophysical properties (such as structural, functional, and spatial information, amino acid conservation, physicochemical variation, residue mobility, and thermodynamic stability) performed at Invitae indicates that this missense variant is expected to disrupt RARS2 protein function with a positive predictive value of 80%. In summary, the available evidence is currently insufficient to determine the role of this variant in disease. Therefore, it has been classified as a Variant of Uncertain Significance.